The following is an entry in ClinVar:

NM_000170.3(GLDC):c.876T>G (p.Cys292Trp)

Gene: GLDC (glycine decarboxylase; minus strand). Cytogenetic location: 9p24.1.
Variant type: single nucleotide variant.
Coding change: c.876T>G on transcript NM_000170.3 (MANE Select); coding-DNA position 876, T replaced by G.
Protein change: p.Cys292Trp; replaces cysteine 292 with tryptophan.
Molecular consequence: missense variant.
Genome position (GRCh38, 1-based): chr9:6,604,770, A>C on the plus strand (T>G on the coding strand, the complement: GLDC is on the minus strand). VCF-style: chr9-6604770-A-C. GRCh37 (hg19) VCF-style: chr9-6604770-A-C.
Other names: short protein forms C292W.
Identifiers: ClinVar variation 5019406 (VCV005019406.2).

ClinVar aggregate classification (germline): Uncertain significance (1 of 4 stars; one submission).

Conditions:
Glycine encephalopathy 1 (GCE1). Identifiers: MedGen CN376801, MONDO:0958179, OMIM 605899.

Submission:

Juno Genomics, Hangzhou Juno Genomics, Inc
Classification: Uncertain significance for Glycine encephalopathy 1. Review status: criteria provided, single submitter. Criteria: ACMG Guidelines, 2015. Collection method: clinical testing. Allele origin: germline.
Comment: Absent from controls (or at extremely low frequency if recessive) in Genome Aggregation Database.;Multiple lines of computational evidence support a deleterious effect on the gene or gene product.